The following is an entry in ClinVar:

NM_005359.6(SMAD4):c.1112A>G (p.His371Arg)

Gene: SMAD4 (SMAD family member 4; plus strand). Cytogenetic location: 18q21.2.
Variant type: single nucleotide variant.
Coding change: c.1112A>G on transcript NM_005359.6 (MANE Select); coding-DNA position 1112, A replaced by G.
Protein change: p.His371Arg; replaces histidine 371 with arginine.
Molecular consequence: missense variant.
Genome position (GRCh38, 1-based): chr18:51,065,579, A>G. VCF-style: chr18-51065579-A-G. GRCh37 (hg19) VCF-style: chr18-48591949-A-G.
Other names: short protein forms H371R.
Identifiers: ClinVar variation 1015769 (VCV001015769.8), dbSNP rs1910125636, ClinGen allele CA402464505.

ClinVar aggregate classification (germline): Uncertain significance (1 of 4 stars; one submission).

Conditions:
Juvenile polyposis syndrome (JPS). Identifiers: Orphanet 2929, MedGen C0345893, MONDO:0017380, OMIM 174900.

Submission:

Labcorp Genetics (formerly Invitae), Labcorp
Classification: Uncertain significance for Juvenile polyposis syndrome. Last evaluated: 2024-10-15. Review status: criteria provided, single submitter. Criteria: Invitae Variant Classification Sherloc (09022015). Collection method: clinical testing. Allele origin: germline.
Comment: This sequence change replaces histidine, which is basic and polar, with arginine, which is basic and polar, at codon 371 of the SMAD4 protein (p.His371Arg). This variant is not present in population databases (gnomAD no frequency). This variant has not been reported in the literature in individuals affected with SMAD4-related conditions. ClinVar contains an entry for this variant (Variation ID: 1015769). Invitae Evidence Modeling of protein sequence and biophysical properties (such as structural, functional, and spatial information, amino acid conservation, physicochemical variation, residue mobility, and thermodynamic stability) has been performed for this missense variant. However, the output from this modeling did not meet the statistical confidence thresholds required to predict the impact of this variant on SMAD4 protein function. In summary, the available evidence is currently insufficient to determine the role of this variant in disease. Therefore, it has been classified as a Variant of Uncertain Significance.